The following is an entry in ClinVar:

NM_000435.3(NOTCH3):c.3998G>A (p.Gly1333Glu)

Gene: NOTCH3 (notch receptor 3; minus strand). Cytogenetic location: 19p13.12.
Variant type: single nucleotide variant.
Coding change: c.3998G>A on transcript NM_000435.3 (MANE Select); coding-DNA position 3998, G replaced by A.
Protein change: p.Gly1333Glu; replaces glycine 1333 with glutamic acid.
Molecular consequence: missense variant.
Genome position (GRCh38, 1-based): chr19:15,177,930, C>T on the plus strand (G>A on the coding strand, the complement: NOTCH3 is on the minus strand). VCF-style: chr19-15177930-C-T. GRCh37 (hg19) VCF-style: chr19-15288741-C-T.
Other names: short protein forms G1333E.
Identifiers: ClinVar variation 3664763 (VCV003664763.2).

ClinVar aggregate classification (germline): Uncertain significance (1 of 4 stars; one submission).

gnomAD v4.1: 9 of 1,291,070 alleles (0.0007%); highest among the groups gnomAD compares: Non-Finnish European, 0.00088%; no homozygotes.

Submission:

Labcorp Genetics (formerly Invitae), Labcorp
Classification: Uncertain significance. Last evaluated: 2024-11-11. Review status: criteria provided, single submitter. Criteria: Invitae Variant Classification Sherloc (09022015). Collection method: clinical testing. Allele origin: germline.
Comment: This sequence change replaces glycine, which is neutral and non-polar, with glutamic acid, which is acidic and polar, at codon 1333 of the NOTCH3 protein (p.Gly1333Glu). This variant is not present in population databases (gnomAD no frequency). This variant has not been reported in the literature in individuals affected with NOTCH3-related conditions. Invitae Evidence Modeling of protein sequence and biophysical properties (such as structural, functional, and spatial information, amino acid conservation, physicochemical variation, residue mobility, and thermodynamic stability) indicates that this missense variant is not expected to disrupt NOTCH3 protein function with a negative predictive value of 95%. In summary, the available evidence is currently insufficient to determine the role of this variant in disease. Therefore, it has been classified as a Variant of Uncertain Significance.